The following is an entry in ClinVar:

NM_001852.4(COL9A2):c.205G>A (p.Gly69Ser)

Gene: COL9A2 (collagen type IX alpha 2 chain; minus strand). Cytogenetic location: 1p34.2.
Variant type: single nucleotide variant.
Coding change: c.205G>A on transcript NM_001852.4 (MANE Select); coding-DNA position 205, G replaced by A.
Protein change: p.Gly69Ser; replaces glycine 69 with serine.
Molecular consequence: missense variant.
Genome position (GRCh38, 1-based): chr1:40,314,249, C>T on the plus strand (G>A on the coding strand, the complement: COL9A2 is on the minus strand). VCF-style: chr1-40314249-C-T. GRCh37 (hg19) VCF-style: chr1-40779921-C-T.
Other names: short protein forms G69S.
Identifiers: ClinVar variation 2809182 (VCV002809182.3), dbSNP rs2522569837, ClinGen allele CA339858507.

ClinVar aggregate classification (germline): Uncertain significance (1 of 4 stars; one submission).

Submission:

Labcorp Genetics (formerly Invitae), Labcorp
Classification: Uncertain significance. Last evaluated: 2023-11-10. Review status: criteria provided, single submitter. Criteria: Invitae Variant Classification Sherloc (09022015). Collection method: clinical testing. Allele origin: germline.
Comment: This sequence change replaces glycine, which is neutral and non-polar, with serine, which is neutral and polar, at codon 69 of the COL9A2 protein (p.Gly69Ser). This variant is not present in population databases (gnomAD no frequency). This variant has not been reported in the literature in individuals affected with COL9A2-related conditions. Advanced modeling of protein sequence and biophysical properties (such as structural, functional, and spatial information, amino acid conservation, physicochemical variation, residue mobility, and thermodynamic stability) performed at Invitae indicates that this missense variant is expected to disrupt COL9A2 protein function with a positive predictive value of 95%. In summary, the available evidence is currently insufficient to determine the role of this variant in disease. Therefore, it has been classified as a Variant of Uncertain Significance.